The following is an entry in ClinVar:

NM_000111.3(SLC26A3):c.958del (p.Asp320fs)

Gene: SLC26A3 (solute carrier family 26 member 3; minus strand). Cytogenetic location: 7q22.3.
Variant type: Deletion.
Coding change: c.958del on transcript NM_000111.3 (MANE Select); coding-DNA position 958, one base deleted (G; older notation c.958delG).
Protein change: p.Asp320fs; shifts the reading frame from aspartic acid 320.
Molecular consequence: frameshift variant.
Genome position (GRCh38, 1-based): chr7:107,786,840, C deleted on the plus strand (G on the coding strand, the reverse complement: SLC26A3 is on the minus strand); the first of 4 consecutive C bases (chr7:107,786,840-107,786,843); deleting any one gives the same sequence. VCF-style (leftmost placement, unchanged base first): chr7-107786839-TC-T. GRCh37 (hg19) VCF-style: chr7-107427284-TC-T.
Other names: short protein forms D320fs.
Identifiers: ClinVar variation 2901756 (VCV002901756.3), dbSNP rs1794303992, ClinGen allele CA1105629001.

ClinVar aggregate classification (germline): Pathogenic (1 of 4 stars; one submission).

Submission:

Labcorp Genetics (formerly Invitae), Labcorp
Classification: Pathogenic. Last evaluated: 2023-11-27. Review status: criteria provided, single submitter. Criteria: Invitae Variant Classification Sherloc (09022015). Collection method: clinical testing. Allele origin: germline.
Comment: This sequence change creates a premature translational stop signal (p.Asp320Thrfs*2) in the SLC26A3 gene. It is expected to result in an absent or disrupted protein product. Loss-of-function variants in SLC26A3 are known to be pathogenic (PMID: 9718329, 21394828). This variant is not present in population databases (gnomAD no frequency). This variant has not been reported in the literature in individuals affected with SLC26A3-related conditions. Algorithms developed to predict the effect of sequence changes on RNA splicing suggest that this variant may disrupt the consensus splice site. For these reasons, this variant has been classified as Pathogenic.

Literature cited by the submitters: PubMed 9718329; PubMed 21394828.